The following is an entry in ClinVar:

ClinVar aggregate classification (germline): Pathogenic/Likely pathogenic. Review status: criteria provided, multiple submitters, no conflicts (2 of 4 stars). 5 submissions from 5 submitters: Pathogenic (4); Likely pathogenic (1). Last evaluated 2025-11-04.

Conditions:
alpha Thalassemia. Also called: Alpha thalassemia spectrum. Identifiers: Orphanet 846, MedGen C0002312, MONDO:0011399, OMIM 604131.
Erythrocytosis, familial, 7. Also called: ERYTHROCYTOSIS 7; ERYTHROCYTOSIS, ALPHA-GLOBIN TYPE; POLYCYTHEMIA, ALPHA-GLOBIN TYPE. Identifiers: MedGen C4693823, MONDO:0054802, OMIM 617981.
Heinz body anemia. Also called: Heinz body hemolytic anemia. Identifiers: Orphanet 178330, MedGen C0700299, MONDO:0007705, OMIM 140700, HP:0005511.
Hemoglobin H disease (HBH). Also called: ALPHA-THALASSEMIA, HEMOGLOBIN H TYPE; HEMOGLOBIN H DISEASE, DELETIONAL; Hemoglobin H (HbH) Disease. Identifiers: Orphanet 93616, MedGen C3161174, MONDO:0013512, OMIM 613978. Disease mechanism: loss of function.

Allele frequency attached by ClinVar (database versions not stated): gnomAD exomes 0.00002.

Submissions (5):

Natera, Inc.
Classification: Pathogenic for Alpha thalassemia. Last evaluated: 2025-11-04. Review status: criteria provided, single submitter. Criteria: Natera Variant Classification Schema (03/2026). Collection method: clinical testing. Allele origin: germline.
Comment: The c.75T>G variant in HBA2 is a nonsense variant predicted to introduce a stop codon at amino acid 25. This variant is expected to result in nonsense mediated decay, truncation, or a dysfunctional protein product. This variant is rare in the general population with a frequency below the threshold expected for the associated phenotype(s). This variant has been observed in one or more individuals affected with the associated recessive disease, as either homozygous or compound heterozygous with a second variant (PMID: 20642333). Given the available evidence, this variant is classified as Pathogenic.

ARUP Laboratories, Molecular Genetics and Genomics, ARUP Laboratories
Classification: Pathogenic. Last evaluated: 2025-06-16. Review status: criteria provided, single submitter. Criteria: ARUP Molecular Germline Variant Investigation Process 2024. Collection method: clinical testing. Allele origin: germline.
Comment: The HBA2 c.75T>G; p.Tyr25Ter variant (also known as Codon 24 (T>G) or Tyr24Ter when numbered from the mature protein, rs281864550, HbVar ID: 2750) is reported in an individual with microcytic anemia who also carried one copy of the 3.7 kb deletion (Giordano 2010). This variant is only observed on one allele in the Genome Aggregation Database, indicating it is not a common polymorphism. The variant introduces a premature termination codon, and is predicted to result in a truncated protein or an absent transcript. Based on the above information, the variant is classified as pathogenic. References: Link to HbVar database: Giordano P et al. Codon 24 (TAT>TAG) and codon 32 (ATG>AGG) (Hb Rotterdam): two novel alpha2 gene mutations associated with mild alpha-thalassemia found in the same family after newborn screening. Hemoglobin. 2010; 34(4):354-65. PMID: 20642333.

Quest Diagnostics Nichols Institute San Juan Capistrano
Classification: Pathogenic. Last evaluated: 2025-02-12. Review status: criteria provided, single submitter. Criteria: Quest Diagnostics criteria. Collection method: clinical testing. Allele origin: unknown.
Comment: The HBA2 c.75T>G (p.Tyr25*) variant causes the premature termination of HBA2 protein synthesis. This variant has been identified in the published literature in a reportedly healthy individual found with mild microcytic hypochromic anemia who also had the alpha3.7 hybrid allele in trans (PMID: 20642333 (2010)). A related truncating variant resulting from a T>A change was identified in a child with a more severe phenotype (PMID: 24351118 (2014)). This c.75T>G variant has not been reported in large, multi-ethnic general populations (Genome Aggregation Database). Based on the available information, this variant is classified as pathogenic.

GeneDx
Classification: Likely pathogenic. Last evaluated: 2025-01-15. Review status: criteria provided, single submitter. Criteria: GeneDx Variant Classification Process June 2021. Collection method: clinical testing. Allele origin: germline. Affected: yes.
Comment: Reported on the opposite allele (in trans) with a common deletion in an adult with mild microcytic hypochromic anemia (PMID: 20642333); Nonsense variant predicted to result in protein truncation or nonsense mediated decay in a gene for which loss of function is a known mechanism of disease; Not observed at significant frequency in large population cohorts (gnomAD); This variant is associated with the following publications: (PMID: 20642333)

Fulgent Genetics
Classification: Pathogenic for Heinz body anemia; alpha Thalassemia; Hemoglobin H disease; Erythrocytosis, familial, 7. Last evaluated: 2024-04-02. Review status: criteria provided, single submitter. Criteria: ACMG Guidelines, 2015. Collection method: clinical testing. Allele origin: germline.

Literature cited by the submitters: PubMed 20642333 (cited by Natera, Inc. and Quest Diagnostics Nichols Institute San Juan Capistrano); PubMed 20507641 (cited by Quest Diagnostics Nichols Institute San Juan Capistrano); PubMed 24351118 (cited by Quest Diagnostics Nichols Institute San Juan Capistrano).

NM_000517.6(HBA2):c.75T>G (p.Tyr25Ter)

Genes: HBA2 (hemoglobin subunit alpha 2; plus strand), LOC106804612 (hemoglobin subunit alpha 2 recombination region; plus strand). Cytogenetic location: 16p13.3.
Variant type: single nucleotide variant.
Coding change: c.75T>G on transcript NM_000517.6 (MANE Select); coding-DNA position 75, T replaced by G.
Protein change: p.Tyr25Ter; replaces tyrosine 25 with a stop codon.
Molecular consequence: nonsense.
Genome position (GRCh38, 1-based): chr16:172,987, T>G. VCF-style: chr16-172987-T-G. GRCh37 (hg19) VCF-style: chr16-222986-T-G.
Other names: c.75T>G (NM_000517.5); short protein forms Y25*.
Identifiers: ClinVar variation 618674 (VCV000618674.19), dbSNP rs281864550, ClinGen allele CA276414454.